The following is an entry in ClinVar:

ClinVar aggregate classification (germline): Pathogenic (1 of 4 stars; one submission).

Submission:

Labcorp Genetics (formerly Invitae), Labcorp
Classification: Pathogenic. Last evaluated: 2022-11-25. Review status: criteria provided, single submitter. Criteria: Invitae Variant Classification Sherloc (09022015). Collection method: clinical testing. Allele origin: germline.
Comment: For these reasons, this variant has been classified as Pathogenic. This variant has not been reported in the literature in individuals affected with ADGRV1-related conditions. This variant is a gross deletion of the genomic region encompassing exon(s) 35 of the ADGRV1 gene. This deletion is out-of-frame, and is expected to create a premature termination codon and result in an absent or disrupted protein product. Loss-of-function variants in ADGRV1 are known to be pathogenic (PMID: 19357117, 22135276, 22147658, 26226137, 30718709, 31047384, 32467589).

Literature cited by the submitters: PubMed 19357117; PubMed 22135276; PubMed 22147658; PubMed 26226137; PubMed 30718709; PubMed 31047384; PubMed 32467589.

NC_000005.9:g.(?_89999462)_(89999632_?)del

Gene: ADGRV1 (adhesion G protein-coupled receptor V1; plus strand). Cytogenetic location: 5q14.3.
Variant type: Deletion.
Identifiers: ClinVar variation 2427009 (VCV002427009.4).